The following is an entry in ClinVar:

ClinVar aggregate classification (germline): Benign (1 of 4 stars; one submission).

Allele frequency attached by ClinVar (database versions not stated): 1000 Genomes Project 0.04153; TOPMed 0.04217; gnomAD 0.04253 and 0.04433; 1000 Genomes Project 30x 0.04279.
gnomAD v4.1: 6,429 of 152,136 alleles (4.2%); highest among the groups gnomAD compares: African/African-American, 9.6%; 255 homozygotes.

Submission:

GeneDx
Classification: Benign. Last evaluated: 2018-06-16. Review status: criteria provided, single submitter. Criteria: GeneDx Variant Classification (06012015). Collection method: clinical testing. Allele origin: germline. Affected: yes.
Comment: This variant is considered likely benign or benign based on one or more of the following criteria: it is a conservative change, it occurs at a poorly conserved position in the protein, it is predicted to be benign by multiple in silico algorithms, and/or has population frequency not consistent with disease.

NM_182961.4(SYNE1):c.6051-216G>A

Gene: SYNE1 (spectrin repeat containing nuclear envelope protein 1; minus strand). Cytogenetic location: 6q25.2.
Variant type: single nucleotide variant.
Coding change: c.6051-216G>A on transcript NM_182961.4 (MANE Select); 216 bases into the intron before coding-DNA position 6051, G replaced by A.
Molecular consequence: intron variant.
Genome position (GRCh38, 1-based): chr6:152,413,747, C>T on the plus strand (G>A on the coding strand, the complement: SYNE1 is on the minus strand). VCF-style: chr6-152413747-C-T. GRCh37 (hg19) VCF-style: chr6-152734882-C-T.
Other names: c.6072-216G>A (NM_033071.5).
Identifiers: ClinVar variation 674783 (VCV000674783.1), dbSNP rs1873177, ClinGen allele CA150206208.
Genomic context (GRCh38, chr6:152,413,747, plus strand): 5'-GTACTTTTAAAGTTAATTTTGCAAAATAACTCAGACTGTACCTCAGAAAACATTGAAAGT[C>T]ATTCTTACTACTCACCATCAACCTTCTATTAAGTTTGTATTTTCTTTCTACTTTGCTTTG-3'